The following is an entry in ClinVar:

ClinVar aggregate classification (germline): Uncertain significance. Review status: criteria provided, multiple submitters, no conflicts (2 of 4 stars). 2 submissions from 2 submitters: Uncertain significance (2). Last evaluated 2024-05-30.

Conditions:
Inborn genetic diseases. Identifiers: MedGen C0950123, MeSH D030342.

Allele frequency attached by ClinVar (database versions not stated): ExAC 0.00001; gnomAD 0.00003; gnomAD exomes 0.00004; TOPMed 0.00004.
gnomAD v4.1: 65 of 1,604,874 alleles (0.0041%); highest among the groups gnomAD compares: Non-Finnish European, 0.0053%; no homozygotes.

Submissions (2):

Ambry Genetics
Classification: Uncertain significance for Inborn genetic diseases. Last evaluated: 2024-05-30. Review status: criteria provided, single submitter. Criteria: Ambry Variant Classification Scheme 2023. Collection method: clinical testing. Allele origin: germline.

Labcorp Genetics (formerly Invitae), Labcorp
Classification: Uncertain significance. Last evaluated: 2023-08-17. Review status: criteria provided, single submitter. Criteria: Invitae Variant Classification Sherloc (09022015). Collection method: clinical testing. Allele origin: germline.
Comment: This sequence change replaces cysteine, which is neutral and slightly polar, with serine, which is neutral and polar, at codon 1428 of the MCM3AP protein (p.Cys1428Ser). This variant is present in population databases (rs759544909, gnomAD 0.003%). This variant has not been reported in the literature in individuals affected with MCM3AP-related conditions. ClinVar contains an entry for this variant (Variation ID: 1896932). An algorithm developed to predict the effect of missense changes on protein structure and function (PolyPhen-2) suggests that this variant is likely to be disruptive. Algorithms developed to predict the effect of sequence changes on RNA splicing suggest that this variant may disrupt the consensus splice site. In summary, the available evidence is currently insufficient to determine the role of this variant in disease. Therefore, it has been classified as a Variant of Uncertain Significance.

NM_003906.5(MCM3AP):c.4283G>C (p.Cys1428Ser)

Genes: MCM3AP (minichromosome maintenance complex component 3 associated protein; minus strand), MCM3AP-AS1 (MCM3AP antisense RNA 1; plus strand). Cytogenetic location: 21q22.3.
Variant type: single nucleotide variant.
Coding change: c.4283G>C on transcript NM_003906.5 (MANE Select); coding-DNA position 4283, G replaced by C.
Protein change: p.Cys1428Ser; replaces cysteine 1428 with serine.
Molecular consequence: missense variant. On other transcripts: non-coding transcript variant (2).
Genome position (GRCh38, 1-based): chr21:46,251,536, C>G on the plus strand (G>C on the coding strand, the complement: MCM3AP is on the minus strand). VCF-style: chr21-46251536-C-G. GRCh37 (hg19) VCF-style: chr21-47671450-C-G.
Other names: c.4283G>C (NM_003906.3); short protein forms C1428S.
Identifiers: ClinVar variation 1896932 (VCV001896932.4), dbSNP rs759544909, ClinGen allele CA10076182.